The following is an entry in ClinVar:

NM_000059.4(BRCA2):c.6642_6643insC (p.Tyr2215fs)

Gene: BRCA2 (BRCA2 DNA repair associated; plus strand). Cytogenetic location: 13q13.1.
Variant type: Insertion.
Coding change: c.6642_6643insC on transcript NM_000059.4 (MANE Select); coding-DNA positions 6642 to 6643, C inserted.
Protein change: p.Tyr2215fs; shifts the reading frame from tyrosine 2215.
Molecular consequence: frameshift variant.
Genome position: GRCh38 VCF-style: chr13-32340997-T-TC. GRCh37 (hg19) VCF-style: chr13-32915134-T-TC.
Other names: short protein forms Y2215fs.
Identifiers: ClinVar variation 254586 (VCV000254586.2), dbSNP rs886038151, ClinGen allele CA10586561.

ClinVar aggregate classification (germline): Pathogenic. Review status: reviewed by expert panel (3 of 4 stars). 2 submissions from 2 submitters: Pathogenic (1). 1 of the submissions does not count toward it. Last evaluated 2016-09-08.

Conditions:
Hereditary breast ovarian cancer syndrome. Also called: Hereditary breast and ovarian cancer; Breast and ovarian cancer; Hereditary breast and/or ovarian cancer syndrome; BRCA1- and BRCA2-Associated Hereditary Breast and Ovarian Cancer; Hereditary breast and ovarian cancer syndrome; Hereditary breast and ovarian cancer syndrome (HBOC). Identifiers: Orphanet 145, MedGen C0677776, MeSH D061325, MONDO:0003582. Disease mechanism: loss of function.
Breast-ovarian cancer, familial, susceptibility to, 2 (BROVCA2). Also called: BRCA2 Hereditary Breast and Ovarian Cancer. Identifiers: Orphanet 145, MedGen C2675520, MONDO:0012933, OMIM 612555. Disease mechanism: loss of function.

Submissions (2):

Evidence-based Network for the Interpretation of Germline Mutant Alleles (ENIGMA)
Classification: Pathogenic for Breast-ovarian cancer, familial, susceptibility to, 2. Last evaluated: 2016-09-08. Review status: reviewed by expert panel. Criteria: ENIGMA BRCA1/2 Classification Criteria (2015). Collection method: curation. Allele origin: germline.
Comment: Variant allele predicted to encode a truncated non-functional protein.

Research Molecular Genetics Laboratory, Women's College Hospital, University of Toronto
Classification: Pathogenic for Hereditary breast ovarian cancer syndrome. Last evaluated: 2014-01-31. Review status: no assertion criteria provided. Collection method: research. Allele origin: germline. Affected: yes. Study: The Canadian Open Genetics Repository (COGR). Not counted in ClinVar's aggregate classification.